The following is an entry in ClinVar:

NM_000368.5(TSC1):c.1156A>C (p.Thr386Pro)

Gene: TSC1 (TSC complex subunit 1; minus strand). Cytogenetic location: 9q34.13.
Variant type: single nucleotide variant.
Coding change: c.1156A>C on transcript NM_000368.5 (MANE Select); coding-DNA position 1156, A replaced by C.
Protein change: p.Thr386Pro; replaces threonine 386 with proline.
Molecular consequence: missense variant.
Genome position (GRCh38, 1-based): chr9:132,910,678, T>G on the plus strand (A>C on the coding strand, the complement: TSC1 is on the minus strand). VCF-style: chr9-132910678-T-G. GRCh37 (hg19) VCF-style: chr9-135786065-T-G.
Other names: c.1153A>C, p.Thr385Pro (NM_001162426.2, NM_001406597.1, NM_001406598.1 and 6 more transcripts); c.1003A>C, p.Thr335Pro (NM_001162427.2, NM_001406610.1); c.793A>C, p.Thr265Pro (NM_001362177.2, NM_001406614.1, NM_001406615.1 and 5 more transcripts); c.1156A>C, p.Thr386Pro (NM_001406592.1, NM_001406593.1, NM_001406594.1 and 7 more transcripts); c.1000A>C, p.Thr334Pro (NM_001406611.1, NM_001406612.1, NM_001406613.1); c.103A>C, p.Thr35Pro (NM_001406630.1, NM_001406629.1); c.790A>C, p.Thr264Pro (NM_001406620.1, NM_001406621.1, NM_001406622.1 and 2 more transcripts); c.205A>C, p.Thr69Pro (NM_001406626.1); and 1 more; short protein forms T334P, T386P, T35P, T385P, T265P, T335P, T68P, T264P.
Identifiers: ClinVar variation 1735364 (VCV001735364.5), dbSNP rs2131946884, ClinGen allele CA375367176.

ClinVar aggregate classification (germline): Uncertain significance. Review status: criteria provided, multiple submitters, no conflicts (2 of 4 stars). 2 submissions from 2 submitters: Uncertain significance (2). Last evaluated 2023-06-06.

Conditions:
Hereditary cancer-predisposing syndrome. Also called: Neoplastic Syndromes, Hereditary; Tumor predisposition; Hereditary Cancer Syndrome; Hereditary neoplastic syndrome. Identifiers: Orphanet 140162, MedGen C0027672, MeSH D009386, MONDO:0015356.
Tuberous sclerosis 1 (TSC1). Identifiers: Orphanet 805, MedGen C1854465, MONDO:0008612, OMIM 191100.

Submissions (2):

Labcorp Genetics (formerly Invitae), Labcorp
Classification: Uncertain significance for Tuberous sclerosis 1. Last evaluated: 2023-06-06. Review status: criteria provided, single submitter. Criteria: Invitae Variant Classification Sherloc (09022015). Collection method: clinical testing. Allele origin: germline.
Comment: In summary, the available evidence is currently insufficient to determine the role of this variant in disease. Therefore, it has been classified as a Variant of Uncertain Significance. Advanced modeling of protein sequence and biophysical properties (such as structural, functional, and spatial information, amino acid conservation, physicochemical variation, residue mobility, and thermodynamic stability) performed at Invitae indicates that this missense variant is not expected to disrupt TSC1 protein function. ClinVar contains an entry for this variant (Variation ID: 1735364). This variant has not been reported in the literature in individuals affected with TSC1-related conditions. This variant is not present in population databases (gnomAD no frequency). This sequence change replaces threonine, which is neutral and polar, with proline, which is neutral and non-polar, at codon 386 of the TSC1 protein (p.Thr386Pro).

Ambry Genetics
Classification: Uncertain significance for Hereditary cancer-predisposing syndrome. Last evaluated: 2022-02-27. Review status: criteria provided, single submitter. Criteria: Ambry Variant Classification Scheme 2023. Collection method: clinical testing. Allele origin: germline.
Comment: The p.T386P variant (also known as c.1156A>C), located in coding exon 10 of the TSC1 gene, results from an A to C substitution at nucleotide position 1156. The threonine at codon 386 is replaced by proline, an amino acid with highly similar properties. This amino acid position is conserved. In addition, the in silico prediction for this alteration is inconclusive. Since supporting evidence is limited at this time, the clinical significance of this alteration remains unclear.